The following is an entry in ClinVar:

ClinVar aggregate classification (germline): Conflicting classifications of pathogenicity. Review status: criteria provided, conflicting classifications (1 of 4 stars). 4 submissions from 4 submitters: Uncertain significance (1); Benign (1); Likely benign (1). 1 of the submissions does not count toward it. Last evaluated 2025-04-28.

Conditions:
GPR179-related disorder. Also called: GPR179-related condition.
Congenital stationary night blindness 1E. Also called: Night blindness, congenital stationary (complete), 1E, autosomal recessive. Identifiers: Orphanet 215, MedGen C3281215, MONDO:0013807, OMIM 614565.

Allele frequency attached by ClinVar (database versions not stated): ESP Exome Variant Server 0.00008; gnomAD exomes 0.00016 and 0.00032; gnomAD 0.00019 and 0.00021; TOPMed 0.00021; ExAC 0.00025.

Submissions (4):

Labcorp Genetics (formerly Invitae), Labcorp
Classification: Benign. Last evaluated: 2025-04-28. Review status: criteria provided, single submitter. Criteria: Invitae Variant Classification Sherloc (09022015). Collection method: clinical testing. Allele origin: germline.

Blueprint Genetics
Classification: Likely benign. Last evaluated: 2024-07-09. Review status: criteria provided, single submitter. Criteria: ACMG Guidelines, 2015. Collection method: clinical testing. Allele origin: germline.

Illumina Laboratory Services, Illumina
Classification: Uncertain significance for Congenital stationary night blindness 1E. Last evaluated: 2018-01-12. Review status: criteria provided, single submitter. Criteria: ICSL Variant Classification Criteria 13 December 2019. Collection method: clinical testing. Allele origin: germline.

PreventionGenetics, part of Exact Sciences
Classification: Likely benign for GPR179-related condition. Last evaluated: 2019-07-22. Review status: no assertion criteria provided. Collection method: clinical testing. Allele origin: germline. Not counted in ClinVar's aggregate classification.
Comment: This variant is classified as likely benign based on ACMG/AMP sequence variant interpretation guidelines (Richards et al. 2015 PMID: 25741868, with internal and published modifications).

NM_001004334.4(GPR179):c.3900A>T (p.Ile1300=)

Gene: GPR179 (G protein-coupled receptor 179; minus strand). Cytogenetic location: 17q12.
Variant type: single nucleotide variant.
Coding change: c.3900A>T on transcript NM_001004334.4 (MANE Select); coding-DNA position 3900, A replaced by T.
Protein change: p.Ile1300=; no amino-acid change (isoleucine 1300 retained).
Molecular consequence: synonymous variant.
Genome position (GRCh38, 1-based): chr17:38,329,669, T>A on the plus strand (A>T on the coding strand, the complement: GPR179 is on the minus strand). VCF-style: chr17-38329669-T-A. GRCh37 (hg19) VCF-style: chr17-36485552-T-A.
Other names: c.3900A>T (NM_001004334.3).
Identifiers: ClinVar variation 322989 (VCV000322989.15), dbSNP rs200167781, ClinGen allele CA10650017.